The following is an entry in ClinVar:

ClinVar aggregate classification (germline): Pathogenic. Review status: criteria provided, multiple submitters, no conflicts (2 of 4 stars). 11 submissions from 11 submitters: Pathogenic (9). 2 of the submissions do not count toward it. Last evaluated 2025-11-03.

Conditions:
AGL-related disorder. Also called: AGL-related condition.
Glycogen storage disease IIIa (GSD IIIa). Also called: Glycogen Storage Disease Type IIIa (GSD IIIa). Identifiers: MedGen C1968739.
Glycogen storage disease type III (GSD3). Also called: Cori disease; FORBES DISEASE. Identifiers: Orphanet 366, MedGen C0017922, MONDO:0009291, OMIM 232400.

Allele frequency attached by ClinVar (database versions not stated): gnomAD 0.00001 and 0.00002; ExAC 0.00002; gnomAD exomes 0.00002 and 0.00003; TOPMed 0.00003.
gnomAD v4.1: 46 of 1,613,964 alleles (0.0029%); highest among the groups gnomAD compares: Non-Finnish European, 0.0036%; no homozygotes.

Submissions (11):

Labcorp Genetics (formerly Invitae), Labcorp
Classification: Pathogenic for Glycogen storage disease type III. Last evaluated: 2025-11-03. Review status: criteria provided, single submitter. Criteria: Invitae Variant Classification Sherloc (09022015). Collection method: clinical testing. Allele origin: germline.
Comment: This sequence change creates a premature translational stop signal (p.Arg408*) in the AGL gene. It is expected to result in an absent or disrupted protein product. Loss-of-function variants in AGL are known to be pathogenic (PMID: 19299494). This variant is present in population databases (rs113994128, gnomAD 0.004%). This premature translational stop signal has been observed in individual(s) with glycogen storage disease (PMID: 11378828, 15542399, 23430490). It is commonly reported in individuals of Faroe islands ancestry (PMID: 11378828, 15542399, 23430490). ClinVar contains an entry for this variant (Variation ID: 1106). Algorithms developed to predict the effect of sequence changes on RNA splicing suggest that this variant may disrupt the consensus splice site. For these reasons, this variant has been classified as Pathogenic.

Mayo Clinic Laboratories, Mayo Clinic
Classification: Pathogenic. Last evaluated: 2025-10-28. Review status: criteria provided, single submitter. Criteria: ACMG Guidelines, 2015. Collection method: clinical testing. Allele origin: germline. Observed: 3 variant alleles.
Comment: PP4, PM2_supporting, PM3_strong, PS4_moderate, PVS1

Natera, Inc.
Classification: Pathogenic for Glycogen storage disease type III. Last evaluated: 2025-05-21. Review status: criteria provided, single submitter. Criteria: Natera Variant Classification Schema (03/2026). Collection method: clinical testing. Allele origin: germline.
Comment: The c.1222C>T variant in AGL is a nonsense variant predicted to introduce a stop codon at amino acid 408. This variant is expected to result in nonsense mediated decay, truncation, or a dysfunctional protein product. This variant is rare in the general population with a frequency below the threshold expected for the associated phenotype(s). This variant has been observed in one or more individuals affected with the associated recessive disease, as either homozygous or compound heterozygous with a second variant (PMID: 11378828, 31661040). Given the available evidence, this variant is classified as Pathogenic.

Blueprint Genetics
Classification: Pathogenic for AGL-related disorders. Last evaluated: 2024-06-07. Review status: criteria provided, single submitter. Criteria: ACMG Guidelines, 2015. Collection method: clinical testing. Allele origin: germline. Affected: yes. Observed: 5 variant alleles.

Baylor Genetics
Classification: Pathogenic for Glycogen storage disease type III. Last evaluated: 2024-02-25. Review status: criteria provided, single submitter. Criteria: ACMG Guidelines, 2015. Collection method: clinical testing. Allele origin: unknown.

Revvity Omics, Revvity
Classification: Pathogenic for Glycogen storage disease type III. Last evaluated: 2022-12-20. Review status: criteria provided, single submitter. Criteria: ACMG Guidelines, 2015. Collection method: clinical testing. Allele origin: germline.

Genome-Nilou Lab
Classification: Pathogenic for Glycogen storage disease type III. Last evaluated: 2021-07-15. Review status: criteria provided, single submitter. Criteria: ACMG Guidelines, 2015. Collection method: clinical testing. Allele origin: germline. Affected: no.

GeneDx
Classification: Pathogenic. Last evaluated: 2021-02-09. Review status: criteria provided, single submitter. Criteria: GeneDx Variant Classification Process June 2021. Collection method: clinical testing. Allele origin: germline. Affected: yes.
Comment: Not observed at a significant frequency in large population cohorts (Lek et al., 2016); Nonsense variant predicted to result in protein truncation or nonsense mediated decay in a gene for which loss-of-function is a known mechanism of disease; This variant is associated with the following publications: (PMID: 11378828, 25525159, 31661040, 33763395, 23430490, 15542399, 26885414, 20301788, 32374048, 32623374, 33448466, 31028654, 26984562)

Women's Health and Genetics/Laboratory Corporation of America, LabCorp
Classification: Pathogenic for GLYCOGEN STORAGE DISEASE, TYPE IIIa. Last evaluated: 2019-09-23. Review status: criteria provided, single submitter. Criteria: LabCorp Variant Classification Summary - May 2015. Collection method: clinical testing. Allele origin: germline.
Comment: Variant summary: AGL c.1222C>T (p.Arg408X) results in a premature termination codon, predicted to cause a truncation of the encoded protein or absence of the protein due to nonsense mediated decay, which are commonly known mechanisms for disease. The variant allele was found at a frequency of 1.6e-05 in 251310 control chromosomes (gnomAD). c.1222C>T has been reported in the literature as a founder mutation in the Faroe Islands, but was also found in individuals of different origin who were affected with Glycogen Storage Disease Type IIIa (Santer_2001, Sentner_2012). These data indicate that the variant is very likely to be associated with disease. To our knowledge, no experimental evidence demonstrating an impact on protein function has been reported. One clinical diagnostic laboratory has submitted clinical-significance assessments for this variant to ClinVar after 2014 and classified the variant as pathogenic. Based on the evidence outlined above, the variant was classified as pathogenic.

OMIM
Classification: Pathogenic for GLYCOGEN STORAGE DISEASE, TYPE IIIa. Last evaluated: 2001-05-01. Review status: no assertion criteria provided. Collection method: literature only. Allele origin: germline. Not counted in ClinVar's aggregate classification.

GeneReviews
No classification provided. Condition: Glycogen storage disease type III. Review status: no classification provided. Collection method: literature only. Allele origin: germline. Not counted in ClinVar's aggregate classification.
Comment: Founder variant in Faroe Islanders

Literature cited by the submitters: PubMed 19299494 (cited by Labcorp Genetics (formerly Invitae), Labcorp); PubMed 11378828 (cited by 6 submitters); PubMed 15542399 (cited by Labcorp Genetics (formerly Invitae), Labcorp and Mayo Clinic Laboratories, Mayo Clinic); PubMed 23430490 (cited by 3 submitters); PubMed 31661040 (cited by Mayo Clinic Laboratories, Mayo Clinic and Natera, Inc.); PubMed 33763395 (cited by Mayo Clinic Laboratories, Mayo Clinic); PubMed 34308104 (cited by Mayo Clinic Laboratories, Mayo Clinic); NCBI Bookshelf NBK26372 (cited by GeneReviews).

NM_000642.3(AGL):c.1222C>T (p.Arg408Ter)

Gene: AGL (amylo-alpha-1,6-glucosidase and 4-alpha-glucanotransferase; plus strand). Cytogenetic location: 1p21.2.
Variant type: single nucleotide variant.
Coding change: c.1222C>T on transcript NM_000642.3 (MANE Select); coding-DNA position 1222, C replaced by T.
Protein change: p.Arg408Ter; replaces arginine 408 with a stop codon.
Molecular consequence: nonsense.
Genome position (GRCh38, 1-based): chr1:99,875,394, C>T. VCF-style: chr1-99875394-C-T. GRCh37 (hg19) VCF-style: chr1-100340950-C-T.
Other names: p.Arg408*; c.1222C>T, p.Arg408Ter (NM_000028.3, NM_000643.3, NM_000644.3 and 2 more transcripts); c.1174C>T, p.Arg392Ter (NM_000646.3); c.1018C>T, p.Arg340Ter (NM_001425328.1, NM_001425329.1); c.844C>T, p.Arg282Ter (NM_001425332.1); short protein forms R408*, R392*, R282*, R340*.
Identifiers: ClinVar variation 1106 (VCV000001106.27), dbSNP rs113994128, ClinGen allele CA114765.